The following is an entry in ClinVar:

NM_014727.3(KMT2B):c.4880A>G (p.Lys1627Arg)

Gene: KMT2B (lysine methyltransferase 2B; plus strand). Cytogenetic location: 19q13.12.
Variant type: single nucleotide variant.
Coding change: c.4880A>G on transcript NM_014727.3 (MANE Select); coding-DNA position 4880, A replaced by G.
Protein change: p.Lys1627Arg; replaces lysine 1627 with arginine.
Molecular consequence: missense variant.
Genome position (GRCh38, 1-based): chr19:35,729,259, A>G. VCF-style: chr19-35729259-A-G. GRCh37 (hg19) VCF-style: chr19-36220160-A-G.
Other names: short protein forms K1627R.
Identifiers: ClinVar variation 4796838 (VCV004796838.1).

ClinVar aggregate classification (germline): Uncertain significance (1 of 4 stars; one submission).

gnomAD v4.1: 1 of 1,603,942 alleles (0.000062%); highest among the groups gnomAD compares: Non-Finnish European, 0.000085%; no homozygotes.

Submission:

Labcorp Genetics (formerly Invitae), Labcorp
Classification: Uncertain significance. Last evaluated: 2025-12-18. Review status: criteria provided, single submitter. Criteria: Invitae Variant Classification Sherloc (09022015). Collection method: clinical testing. Allele origin: germline.
Comment: This sequence change replaces lysine, which is basic and polar, with arginine, which is basic and polar, at codon 1627 of the KMT2B protein (p.Lys1627Arg). This variant is not present in population databases (gnomAD no frequency). This variant has not been reported in the literature in individuals affected with KMT2B-related conditions. Invitae Evidence Modeling of protein sequence and biophysical properties (such as structural, functional, and spatial information, amino acid conservation, physicochemical variation, residue mobility, and thermodynamic stability) indicates that this missense variant is not expected to disrupt KMT2B protein function with a negative predictive value of 95%. In summary, the available evidence is currently insufficient to determine the role of this variant in disease. Therefore, it has been classified as a Variant of Uncertain Significance.